The following is an entry in ClinVar:

ClinVar aggregate classification (germline): Uncertain significance. Review status: criteria provided, multiple submitters, no conflicts (2 of 4 stars). 8 submissions from 7 submitters: Uncertain significance (8). Last evaluated 2026-09-01.

Conditions:
Noonan syndrome 4 (NS4). Also called: NOONAN SYNDROME WITH PIGMENTED VILLONODULAR SYNOVITIS; SOS1-Related Noonan Syndrome. Identifiers: Orphanet 648, MedGen C1853120, MONDO:0012547, OMIM 610733.
Cardiovascular phenotype. Identifiers: MedGen CN230736.
Fibromatosis, gingival, 1 (GINGF1). Identifiers: Orphanet 2024, MedGen C4551558, MONDO:0007609, OMIM 135300.
RASopathy. Also called: rasopathies; Noonan spectrum disorder. Identifiers: Orphanet 536391, MedGen C5555857, MONDO:0021060.
SOS1-related disorder. Also called: SOS1-related condition.

Allele frequency attached by ClinVar (database versions not stated): TOPMed 0.00001; gnomAD 0.00002; ESP Exome Variant Server 0.00015; gnomAD exomes 0.00001.
gnomAD v4.1: 12 of 1,612,172 alleles (0.00074%); highest among the groups gnomAD compares: African/African-American, 0.0013%; no homozygotes.

Submissions (8):

PreventionGenetics, part of Exact Sciences
Classification: Uncertain significance for SOS1-related condition. Last evaluated: 2026-09-01. Review status: criteria provided, single submitter. Criteria: ACMG Guidelines, 2015. Collection method: clinical testing. Allele origin: germline.
Comment: The SOS1 c.2369T>C variant is predicted to result in the amino acid substitution p.Leu790Ser. To our knowledge, this variant has not been reported in the literature. This variant is reported in 0.0023% of alleles in individuals of European (Non-Finnish) descent in gnomAD. At this time, the clinical significance of this variant is uncertain due to the absence of conclusive functional and genetic evidence.

Labcorp Genetics (formerly Invitae), Labcorp
Classification: Uncertain significance for RASopathy. Last evaluated: 2025-07-02. Review status: criteria provided, single submitter. Criteria: Invitae Variant Classification Sherloc (09022015). Collection method: clinical testing. Allele origin: germline.
Comment: This sequence change replaces leucine, which is neutral and non-polar, with serine, which is neutral and polar, at codon 790 of the SOS1 protein (p.Leu790Ser). This variant is present in population databases (rs139859866, gnomAD 0.002%). This variant has not been reported in the literature in individuals affected with SOS1-related conditions. ClinVar contains an entry for this variant (Variation ID: 1429499). Invitae Evidence Modeling of protein sequence and biophysical properties (such as structural, functional, and spatial information, amino acid conservation, physicochemical variation, residue mobility, and thermodynamic stability) has been performed for this missense variant. However, the output from this modeling did not meet the statistical confidence thresholds required to predict the impact of this variant on SOS1 protein function. In summary, the available evidence is currently insufficient to determine the role of this variant in disease. Therefore, it has been classified as a Variant of Uncertain Significance.

GeneDx
Classification: Uncertain significance. Last evaluated: 2024-10-14. Review status: criteria provided, single submitter. Criteria: GeneDx Variant Classification Process June 2021. Collection method: clinical testing. Allele origin: germline. Affected: yes.
Comment: Missense variants in this gene are a common cause of disease and they are underrepresented in the general population; In silico analysis supports that this missense variant has a deleterious effect on protein structure/function; Has not been previously published as pathogenic or benign to our knowledge

Women's Health and Genetics/Laboratory Corporation of America, LabCorp
Classification: Uncertain significance. Last evaluated: 2024-02-04. Review status: criteria provided, single submitter. Criteria: LabCorp Variant Classification Summary - May 2015. Collection method: clinical testing. Allele origin: germline.

Ambry Genetics
Classification: Uncertain significance for Cardiovascular phenotype. Last evaluated: 2021-11-22. Review status: criteria provided, single submitter. Criteria: Ambry Variant Classification Scheme 2023. Collection method: clinical testing. Allele origin: germline.
Comment: The p.L790S variant (also known as c.2369T>C), located in coding exon 14 of the SOS1 gene, results from a T to C substitution at nucleotide position 2369. The leucine at codon 790 is replaced by serine, an amino acid with dissimilar properties. This amino acid position is conserved. In addition, this alteration is predicted to be deleterious by in silico analysis. Since supporting evidence is limited at this time, the clinical significance of this alteration remains unclear.

Fulgent Genetics
Classification: Uncertain significance for Fibromatosis, gingival, 1; Noonan syndrome 4. Last evaluated: 2021-09-23. Review status: criteria provided, single submitter. Criteria: ACMG Guidelines, 2015. Collection method: clinical testing. Allele origin: unknown.

Genome-Nilou Lab
Classification: Uncertain significance for Noonan syndrome 4. Review status: criteria provided, single submitter. Criteria: ACMG Guidelines, 2015. Collection method: clinical testing. Allele origin: germline.

Genome-Nilou Lab
Classification: Uncertain significance for Fibromatosis, gingival, 1. Review status: criteria provided, single submitter. Criteria: ACMG Guidelines, 2015. Collection method: clinical testing. Allele origin: germline.

NM_005633.4(SOS1):c.2369T>C (p.Leu790Ser)

Gene: SOS1 (SOS Ras/Rac guanine nucleotide exchange factor 1; minus strand). Cytogenetic location: 2p22.1.
Variant type: single nucleotide variant.
Coding change: c.2369T>C on transcript NM_005633.4 (MANE Select); coding-DNA position 2369, T replaced by C.
Protein change: p.Leu790Ser; replaces leucine 790 with serine.
Molecular consequence: missense variant.
Genome position (GRCh38, 1-based): chr2:39,012,147, A>G on the plus strand (T>C on the coding strand, the complement: SOS1 is on the minus strand). VCF-style: chr2-39012147-A-G. GRCh37 (hg19) VCF-style: chr2-39239288-A-G.
Other names: c.2348T>C, p.Leu783Ser (NM_001382394.1); c.2369T>C, p.Leu790Ser (NM_001382395.1); short protein forms L790S, L783S.
Identifiers: ClinVar variation 1429499 (VCV001429499.15), dbSNP rs139859866, ClinGen allele CA45660463.